The following is an entry in ClinVar:

NM_001349884.2(DRAM2):c.209C>T (p.Thr70Ile)

Gene: DRAM2 (DNA damage regulated autophagy modulator 2; minus strand). Cytogenetic location: 1p13.3.
Variant type: single nucleotide variant.
Coding change: c.209C>T on transcript NM_001349884.2 (MANE Select); coding-DNA position 209, C replaced by T.
Protein change: p.Thr70Ile; replaces threonine 70 with isoleucine.
Molecular consequence: missense variant. On other transcripts: 5 prime UTR variant (1), non-coding transcript variant (3), intron variant (7).
Genome position (GRCh38, 1-based): chr1:111,124,872, G>A on the plus strand (C>T on the coding strand, the complement: DRAM2 is on the minus strand). VCF-style: chr1-111124872-G-A. GRCh37 (hg19) VCF-style: chr1-111667494-G-A.
Other names: c.209C>T, p.Thr70Ile (NM_001349881.2, NM_001349882.2, NM_001349885.2 and 1 more transcripts); c.-210C>T (NM_001349891.2); c.-52+1355C>T (NM_001349889.2, NM_001349890.2, NM_001349892.2 and 1 more transcripts); c.41+1355C>T (NM_001349887.2, NM_001349886.2, NM_001349888.2); short protein forms T70I.
Identifiers: ClinVar variation 3678530 (VCV003678530.2).

ClinVar aggregate classification (germline): Uncertain significance (1 of 4 stars; one submission).

gnomAD v4.1: 2 of 1,610,722 alleles (0.00012%); no homozygotes.

Submission:

Labcorp Genetics (formerly Invitae), Labcorp
Classification: Uncertain significance. Last evaluated: 2024-11-05. Review status: criteria provided, single submitter. Criteria: Invitae Variant Classification Sherloc (09022015). Collection method: clinical testing. Allele origin: germline.
Comment: This sequence change replaces threonine, which is neutral and polar, with isoleucine, which is neutral and non-polar, at codon 70 of the DRAM2 protein (p.Thr70Ile). This variant is not present in population databases (gnomAD no frequency). This variant has not been reported in the literature in individuals affected with DRAM2-related conditions. Invitae Evidence Modeling of protein sequence and biophysical properties (such as structural, functional, and spatial information, amino acid conservation, physicochemical variation, residue mobility, and thermodynamic stability) indicates that this missense variant is not expected to disrupt DRAM2 protein function with a negative predictive value of 80%. In summary, the available evidence is currently insufficient to determine the role of this variant in disease. Therefore, it has been classified as a Variant of Uncertain Significance.